The following is an entry in ClinVar:

ClinVar aggregate classification (germline): Benign (1 of 4 stars; one submission).

Allele frequency attached by ClinVar (database versions not stated): gnomAD 0.57153 and 0.57397; TOPMed 0.58028; 1000 Genomes Project 0.59824; 1000 Genomes Project 30x 0.60884.

Submission:

GeneDx
Classification: Benign. Last evaluated: 2018-06-14. Review status: criteria provided, single submitter. Criteria: GeneDx Variant Classification (06012015). Collection method: clinical testing. Allele origin: germline. Affected: yes.
Comment: This variant is considered likely benign or benign based on one or more of the following criteria: it is a conservative change, it occurs at a poorly conserved position in the protein, it is predicted to be benign by multiple in silico algorithms, and/or has population frequency not consistent with disease.

NM_005751.5(AKAP9):c.3533-161G>T

Gene: AKAP9 (A-kinase anchoring protein 9; plus strand). Cytogenetic location: 7q21.2.
Variant type: single nucleotide variant.
Coding change: c.3533-161G>T on transcript NM_005751.5 (MANE Select); 161 bases into the intron before coding-DNA position 3533, G replaced by T.
Molecular consequence: intron variant.
Genome position (GRCh38, 1-based): chr7:92,014,088, G>T. VCF-style: chr7-92014088-G-T. GRCh37 (hg19) VCF-style: chr7-91643402-G-T.
Other names: c.3533-161G>T (NM_147185.3).
Identifiers: ClinVar variation 671864 (VCV000671864.1), dbSNP rs6967588, ClinGen allele CA161884556.